The following is an entry in ClinVar:

ClinVar aggregate classification (germline): Benign (1 of 4 stars; one submission).

Allele frequency attached by ClinVar (database versions not stated): 1000 Genomes Project 30x 0.10853; 1000 Genomes Project 0.11542; TOPMed 0.12779; gnomAD 0.13024 and 0.13025.
gnomAD v4.1: 19,882 of 152,040 alleles (13%); highest among the groups gnomAD compares: East Asian, 22%; 1,560 homozygotes.

Submission:

GeneDx
Classification: Benign. Last evaluated: 2018-06-14. Review status: criteria provided, single submitter. Criteria: GeneDx Variant Classification (06012015). Collection method: clinical testing. Allele origin: germline. Affected: yes.
Comment: This variant is considered likely benign or benign based on one or more of the following criteria: it is a conservative change, it occurs at a poorly conserved position in the protein, it is predicted to be benign by multiple in silico algorithms, and/or has population frequency not consistent with disease.

NM_016373.4(WWOX):c.410-249G>A

Gene: WWOX (WW domain containing oxidoreductase; plus strand). Cytogenetic location: 16q23.1.
Variant type: single nucleotide variant.
Coding change: c.410-249G>A on transcript NM_016373.4 (MANE Select); 249 bases into the intron before coding-DNA position 410, G replaced by A.
Molecular consequence: intron variant.
Genome position (GRCh38, 1-based): chr16:78,163,934, G>A. VCF-style: chr16-78163934-G-A. GRCh37 (hg19) VCF-style: chr16-78197831-G-A.
Other names: c.71-249G>A (NM_001291997.2); c.410-249G>A (NM_130791.5).
Identifiers: ClinVar variation 670332 (VCV000670332.1), dbSNP rs62045118, ClinGen allele CA14252163.
Genomic context (GRCh38, chr16:78,163,934, plus strand): 5'-GACAAGTTTTCTCACCATCACAGTGTTGACAGTCCGGGCCAGATGGTTCTATGTTGTCAG[G>A]GGCTGCCCTGTTCATGGTAAGATGTTTTGTAATGCCTGGTGTTTACCCACTAGATGCCAG-3'